The following is an entry in ClinVar:

NM_175854.8(PAN3):c.85del (p.Ala29fs)

Genes: PAN3 (poly(A) specific ribonuclease subunit PAN3; plus strand), PAN3-AS1 (PAN3 antisense RNA 1; minus strand), LOC130009452 (ATAC-STARR-seq lymphoblastoid silent region 5209; plus strand). Cytogenetic location: 13q12.2.
Variant type: Deletion.
Coding change: c.85del on transcript NM_175854.8 (MANE Select); coding-DNA position 85, one base deleted (G; older notation c.85delG).
Protein change: p.Ala29fs; shifts the reading frame from alanine 29.
Molecular consequence: frameshift variant. On other transcripts: non-coding transcript variant (1).
Genome position (GRCh38, 1-based): chr13:28,138,742, G deleted; the last of 2 consecutive G bases (chr13:28,138,741-28,138,742); deleting either gives the same sequence. VCF-style (leftmost placement, unchanged base first): chr13-28138740-TG-T. GRCh37 (hg19) VCF-style: chr13-28712877-TG-T.
Other names: c.85delG (NM_175854.8); short protein forms A29fs.
Identifiers: ClinVar variation 1320314 (VCV001320314.1), dbSNP rs2137882227, ClinGen allele CA2573053798.

ClinVar aggregate classification (germline): Uncertain significance (1 of 4 stars; one submission).

Submission:

HudsonAlpha Institute for Biotechnology
Classification: Uncertain significance. Last evaluated: 2021-08-19. Review status: criteria provided, single submitter. Criteria: ACMG Guidelines, 2015. Collection method: research. Allele origin: de novo. Observed: 1 variant allele. Study: CSER-SouthSeq.
Comment: ACMG codes: PM2